The following is an entry in ClinVar:

NR_001566.3(TERC):n.206dup

Genes: TERC (telomerase RNA component; minus strand), LOC110806306 (telomerase RNA component (TERC) promoter; plus strand). Cytogenetic location: 3q26.2.
Variant type: Duplication.
Genome position: GRCh38 VCF-style: chr3-169764851-T-TC. GRCh37 (hg19) VCF-style: chr3-169482639-T-TC.
Identifiers: ClinVar variation 1466965 (VCV001466965.8), dbSNP rs2108183111, ClinGen allele CA2573136773.

ClinVar aggregate classification (germline): Uncertain significance (1 of 4 stars; one submission).

Conditions:
Dyskeratosis congenita, autosomal dominant 1 (DKCA1). Also called: Dyskeratosis congenita Scoggins type. Identifiers: Orphanet 1775, MedGen C4551974, MONDO:0007485, OMIM 127550. Inheritance: Variable.

Submission:

Labcorp Genetics (formerly Invitae), Labcorp
Classification: Uncertain significance for Dyskeratosis congenita, autosomal dominant 1. Last evaluated: 2021-03-29. Review status: criteria provided, single submitter. Criteria: Invitae Variant Classification Sherloc (09022015). Collection method: clinical testing. Allele origin: germline.
Comment: This variant is not present in population databases (ExAC no frequency). This variant occurs in the TERC gene, which encodes an RNA molecule that does not result in a protein product. This variant is located within the hypervariable region that is not conserved in the TERC RNA component (PMID: 10721988, 21844345). Functional studies testing the effect of this variant on TERC secondary structure or function have not been reported. In summary, the available evidence is currently insufficient to determine the role of this variant in disease. Therefore, it has been classified as a Variant of Uncertain Significance. This variant has not been reported in the literature in individuals with TERC-related conditions.

Literature cited by the submitters: PubMed 10721988; PubMed 21844345.